The following is an entry in ClinVar:

NM_002336.3(LRP6):c.2765T>C (p.Leu922Pro)

Gene: LRP6 (LDL receptor related protein 6; minus strand). Cytogenetic location: 12p13.2.
Variant type: single nucleotide variant.
Coding change: c.2765T>C on transcript NM_002336.3 (MANE Select); coding-DNA position 2765, T replaced by C.
Protein change: p.Leu922Pro; replaces leucine 922 with proline.
Molecular consequence: missense variant. On other transcripts: non-coding transcript variant (1).
Genome position (GRCh38, 1-based): chr12:12,158,855, A>G on the plus strand (T>C on the coding strand, the complement: LRP6 is on the minus strand). VCF-style: chr12-12158855-A-G. GRCh37 (hg19) VCF-style: chr12-12311789-A-G.
Other names: c.2765T>C, p.Leu922Pro (NM_001414245.1, NM_001414246.1, NM_001414248.1 and 4 more transcripts); c.2567T>C, p.Leu856Pro (NM_001414247.1); c.2312T>C, p.Leu771Pro (NM_001414252.1, NM_001414253.1, NM_001414254.1); c.2258T>C, p.Leu753Pro (NM_001414255.1); short protein forms L771P, L922P, L856P, L753P.
Identifiers: ClinVar variation 5005047 (VCV005005047.2).

ClinVar aggregate classification (germline): Likely pathogenic (1 of 4 stars; one submission).

Conditions:
Coronary artery disease, autosomal dominant 2 (ADCAD2). Identifiers: MedGen C1970440, MONDO:0012586, OMIM 610947.
Tooth agenesis, selective, 7 (STHAG7). Identifiers: Orphanet 99798, MedGen C4225231, MONDO:0014749, OMIM 616724.

Submission:

Juno Genomics, Hangzhou Juno Genomics, Inc
Classification: Likely pathogenic for Coronary artery disease, autosomal dominant 2; Tooth agenesis, selective, 7. Review status: criteria provided, single submitter. Criteria: ACMG Guidelines, 2015. Collection method: clinical testing. Allele origin: germline.
Comment: Absent from controls (or at extremely low frequency if recessive) in Genome Aggregation Database.;Multiple lines of computational evidence support a deleterious effect on the gene or gene product.;Missense variant in a gene that has a low rate of benign missense variation.